The following is an entry in ClinVar:

ClinVar aggregate classification (germline): Uncertain significance. Review status: criteria provided, multiple submitters, no conflicts (2 of 4 stars). 2 submissions from 2 submitters: Uncertain significance (2). Last evaluated 2024-12-03.

Conditions:
Inborn genetic diseases. Identifiers: MedGen C0950123, MeSH D030342.
Nemaline myopathy 10 (NEM10). Identifiers: MedGen C4015360, MONDO:0014513, OMIM 616165.

gnomAD v4.1: 17 of 1,613,676 alleles (0.0011%); highest among the groups gnomAD compares: Admixed American, 0.013%; no homozygotes.

Submissions (2):

Ambry Genetics
Classification: Uncertain significance for Inborn genetic diseases. Last evaluated: 2024-12-03. Review status: criteria provided, single submitter. Criteria: Ambry Variant Classification Scheme 2023. Collection method: clinical testing. Allele origin: germline.

Labcorp Genetics (formerly Invitae), Labcorp
Classification: Uncertain significance for Nemaline myopathy 10. Last evaluated: 2022-05-16. Review status: criteria provided, single submitter. Criteria: Invitae Variant Classification Sherloc (09022015). Collection method: clinical testing. Allele origin: germline.
Comment: This sequence change replaces serine, which is neutral and polar, with leucine, which is neutral and non-polar, at codon 214 of the LMOD3 protein (p.Ser214Leu). This variant is present in population databases (rs368487515, gnomAD 0.02%). This variant has not been reported in the literature in individuals affected with LMOD3-related conditions. Algorithms developed to predict the effect of missense changes on protein structure and function are either unavailable or do not agree on the potential impact of this missense change (SIFT: "Deleterious"; PolyPhen-2: "Benign"; Align-GVGD: "Class C0"). In summary, the available evidence is currently insufficient to determine the role of this variant in disease. Therefore, it has been classified as a Variant of Uncertain Significance.

NM_198271.5(LMOD3):c.641C>T (p.Ser214Leu)

Gene: LMOD3 (leiomodin 3; minus strand). Cytogenetic location: 3p14.1.
Variant type: single nucleotide variant.
Coding change: c.641C>T on transcript NM_198271.5 (MANE Select); coding-DNA position 641, C replaced by T.
Protein change: p.Ser214Leu; replaces serine 214 with leucine.
Molecular consequence: missense variant.
Genome position (GRCh38, 1-based): chr3:69,119,714, G>A on the plus strand (C>T on the coding strand, the complement: LMOD3 is on the minus strand). VCF-style: chr3-69119714-G-A. GRCh37 (hg19) VCF-style: chr3-69168865-G-A.
Other names: c.641C>T, p.Ser214Leu (NM_001304418.3); c.641C>T (NM_198271.3); short protein forms S214L.
Identifiers: ClinVar variation 1967778 (VCV001967778.3), dbSNP rs368487515, ClinGen allele CA2488942.